The following is an entry in ClinVar:

ClinVar aggregate classification (germline): Uncertain significance. Review status: criteria provided, multiple submitters, no conflicts (2 of 4 stars). 3 submissions from 3 submitters: Uncertain significance (3). Last evaluated 2025-03-07.

Conditions:
Hereditary diffuse gastric adenocarcinoma (HDGC). Also called: DIFFUSE GASTRIC AND LOBULAR BREAST CANCER SYNDROME. Identifiers: Orphanet 26106, MedGen C1708349, MONDO:0007648, OMIM 137215.
Hereditary cancer-predisposing syndrome. Also called: Neoplastic Syndromes, Hereditary; Hereditary Cancer Syndrome; Hereditary neoplastic syndrome; Tumor predisposition. Identifiers: Orphanet 140162, MedGen C0027672, MeSH D009386, MONDO:0015356.

gnomAD v4.1: 2 of 1,614,206 alleles (0.00012%); highest among the groups gnomAD compares: Admixed American, 0.0033%; no homozygotes.

Submissions (3):

Labcorp Genetics (formerly Invitae), Labcorp
Classification: Uncertain significance for Hereditary diffuse gastric adenocarcinoma. Last evaluated: 2025-03-07. Review status: criteria provided, single submitter. Criteria: Invitae Variant Classification Sherloc (09022015). Collection method: clinical testing. Allele origin: germline.
Comment: This sequence change replaces phenylalanine, which is neutral and non-polar, with isoleucine, which is neutral and non-polar, at codon 486 of the CDH1 protein (p.Phe486Ile). This variant is present in population databases (no rsID available, gnomAD 0.003%). This variant has not been reported in the literature in individuals affected with CDH1-related conditions. ClinVar contains an entry for this variant (Variation ID: 643459). An algorithm developed to predict the effect of missense changes on protein structure and function (PolyPhen-2) suggests that this variant is likely to be disruptive. In summary, the available evidence is currently insufficient to determine the role of this variant in disease. Therefore, it has been classified as a Variant of Uncertain Significance.

Ambry Genetics
Classification: Uncertain significance for Hereditary cancer-predisposing syndrome. Last evaluated: 2024-11-13. Review status: criteria provided, single submitter. Criteria: Ambry Variant Classification Scheme 2023. Collection method: clinical testing. Allele origin: germline.
Comment: The p.F486I variant (also known as c.1456T>A), located in coding exon 10 of the CDH1 gene, results from a T to A substitution at nucleotide position 1456. The phenylalanine at codon 486 is replaced by isoleucine, an amino acid with highly similar properties. This amino acid position is highly conserved in available vertebrate species. In addition, this alteration is predicted to be deleterious by in silico analysis. Based on the available evidence, the clinical significance of this variant remains unclear.

Quest Diagnostics Nichols Institute San Juan Capistrano
Classification: Uncertain significance. Last evaluated: 2023-01-30. Review status: criteria provided, single submitter. Criteria: Quest Diagnostics criteria. Collection method: clinical testing. Allele origin: unknown.
Comment: The variant has not been reported in the published literature. The frequency of this variant in the general population, 0.000004 (1/251486 chromosomes), is uninformative in assessment of its pathogenicity. Analysis of this variant using bioinformatics tools for the prediction of the effect of amino acid changes on protein structure and function yielded predictions that this variant is damaging. Based on the available information, we are unable to determine the clinical significance of this variant.

NM_004360.5(CDH1):c.1456T>A (p.Phe486Ile)

Gene: CDH1 (cadherin 1; plus strand). Cytogenetic location: 16q22.1.
Variant type: single nucleotide variant.
Coding change: c.1456T>A on transcript NM_004360.5 (MANE Select); coding-DNA position 1456, T replaced by A.
Protein change: p.Phe486Ile; replaces phenylalanine 486 with isoleucine.
Molecular consequence: missense variant. On other transcripts: 5 prime UTR variant (2).
Genome position (GRCh38, 1-based): chr16:68,815,650, T>A. VCF-style: chr16-68815650-T-A. GRCh37 (hg19) VCF-style: chr16-68849553-T-A.
Other names: c.1456T>A (LRG_301t1, NM_004360.4); c.1273T>A, p.Phe425Ile (NM_001317184.2); c.-93T>A (NM_001317185.2); c.-364T>A (NM_001317186.2); short protein forms F425I, F486I.
Identifiers: ClinVar variation 643459 (VCV000643459.13), dbSNP rs1331977824, ClinGen allele CA396463086.